The following is an entry in ClinVar:

ClinVar aggregate classification (germline): Uncertain significance. Review status: criteria provided, multiple submitters, no conflicts (2 of 4 stars). 2 submissions from 2 submitters: Uncertain significance (2). Last evaluated 2025-03-09.

Conditions:
Fanconi anemia (FA). Also called: Fanconi's anemia. Identifiers: Orphanet 84, MedGen C0015625, MeSH D005199, MONDO:0019391.

Allele frequency attached by ClinVar (database versions not stated): TOPMed 0.00006.
gnomAD v4.1: 49 of 1,613,674 alleles (0.003%); highest among the groups gnomAD compares: Non-Finnish European, 0.0042%; no homozygotes.

Submissions (2):

Labcorp Genetics (formerly Invitae), Labcorp
Classification: Uncertain significance for Fanconi anemia. Last evaluated: 2025-03-09. Review status: criteria provided, single submitter. Criteria: Invitae Variant Classification Sherloc (09022015). Collection method: clinical testing. Allele origin: germline.
Comment: This sequence change replaces proline, which is neutral and non-polar, with threonine, which is neutral and polar, at codon 292 of the FANCM protein (p.Pro292Thr). This variant is present in population databases (no rsID available, gnomAD 0.0009%). This variant has not been reported in the literature in individuals affected with FANCM-related conditions. ClinVar contains an entry for this variant (Variation ID: 837728). An algorithm developed to predict the effect of missense changes on protein structure and function (PolyPhen-2) suggests that this variant is likely to be tolerated. In summary, the available evidence is currently insufficient to determine the role of this variant in disease. Therefore, it has been classified as a Variant of Uncertain Significance.

GeneDx
Classification: Uncertain significance. Last evaluated: 2024-08-26. Review status: criteria provided, single submitter. Criteria: GeneDx Variant Classification Process June 2021. Collection method: clinical testing. Allele origin: germline. Affected: yes.
Comment: Not observed at significant frequency in large population cohorts (gnomAD); In silico analysis supports that this missense variant has a deleterious effect on protein structure/function; Has not been previously published as pathogenic or benign to our knowledge

NM_020937.4(FANCM):c.874C>A (p.Pro292Thr)

Gene: FANCM (FA complementation group M; plus strand). Cytogenetic location: 14q21.2.
Variant type: single nucleotide variant.
Coding change: c.874C>A on transcript NM_020937.4 (MANE Select); coding-DNA position 874, C replaced by A.
Protein change: p.Pro292Thr; replaces proline 292 with threonine.
Molecular consequence: missense variant.
Genome position (GRCh38, 1-based): chr14:45,148,951, C>A. VCF-style: chr14-45148951-C-A. GRCh37 (hg19) VCF-style: chr14-45618154-C-A.
Other names: c.796C>A, p.Pro266Thr (NM_001308133.2); c.874C>A, p.Pro292Thr (NM_001308134.2); short protein forms P266T, P292T.
Identifiers: ClinVar variation 837728 (VCV000837728.9), dbSNP rs142747831, ClinGen allele CA259612788.
Genomic context (GRCh38, chr14:45,148,951, plus strand): 5'-GAAGATTCTCCAGATATTTTGACATATTCTCATGAAAGAAAAGTTGAAAAGCTTATTGTT[C>A]CGCTTGGTGAAGAACTTGCAGCCATCCAAAAGACCTATATCCAGGTAAACCATTTTTATG-3'
Protein context (NP_065988.1, residues 282-302): HERKVEKLIV[Pro292Thr]LGEELAAIQK